The following is an entry in ClinVar:

NM_015450.3(POT1):c.1107del (p.Ser368_Tyr369insTer)

Gene: POT1 (protection of telomeres 1; minus strand). Cytogenetic location: 7q31.33.
Variant type: Deletion.
Coding change: c.1107del on transcript NM_015450.3 (MANE Select); coding-DNA position 1107, one base deleted (T; older notation c.1107delT).
Protein change: p.Ser368_Tyr369insTer.
Molecular consequence: nonsense. On other transcripts: non-coding transcript variant (3).
Genome position (GRCh38, 1-based): chr7:124,842,863, A deleted on the plus strand (T on the coding strand, the reverse complement: POT1 is on the minus strand). VCF-style (leftmost placement, unchanged base first): chr7-124842862-TA-T. GRCh37 (hg19) VCF-style: chr7-124482916-TA-T.
Other names: c.1107del (NM_015450.2); c.714del, p.Ser237_Tyr238insTer (NM_001042594.2); c.1107delT (NM_015450.3).
Identifiers: ClinVar variation 1793995 (VCV001793995.9), dbSNP rs1487490244, ClinGen allele CA577288713.

ClinVar aggregate classification (germline): Pathogenic. Review status: criteria provided, multiple submitters, no conflicts (2 of 4 stars). 5 submissions from 5 submitters: Pathogenic (5). Last evaluated 2025-12-23.

Conditions:
Polycystic kidney disease 4 (PKD4). Also called: PKD3; Autosomal Recessive Polycystic Kidney Disease – PKHD1; POLYCYSTIC KIDNEY AND HEPATIC DISEASE 1; POLYCYSTIC KIDNEY DISEASE, INFANTILE, TYPE I; POLYCYSTIC KIDNEY DISEASE 4 WITH OR WITHOUT POLYCYSTIC LIVER DISEASE. Identifiers: MedGen C4540575, MONDO:0033004, OMIM 263200.
Long telomere syndrome.
Hereditary cancer-predisposing syndrome. Also called: Tumor predisposition; Neoplastic Syndromes, Hereditary; Hereditary Cancer Syndrome; Hereditary neoplastic syndrome. Identifiers: Orphanet 140162, MedGen C0027672, MeSH D009386, MONDO:0015356.
Tumor predisposition syndrome 3 (TPDS3). Also called: Glioma susceptibility 9; LONG TELOMERE SYNDROME, POT1-RELATED; POT1 Tumor Predisposition; Melanoma, cutaneous malignant, susceptibility to, 10. Identifiers: Orphanet 618, MedGen C4014476, MONDO:0014368, OMIM 615848.

Allele frequency attached by ClinVar (database versions not stated): TOPMed 0.00001; gnomAD 0.00002.

Submissions (5):

The Telomere Center at Johns Hopkins, Johns Hopkins University School of Medicine
Classification: Pathogenic for Long Telomere Syndrome. Last evaluated: 2025-12-23. Review status: criteria provided, single submitter. Criteria: Davidson-Swinton et al. (Blood. 2026). Collection method: clinical testing. Allele origin: germline. Affected: yes.

Labcorp Genetics (formerly Invitae), Labcorp
Classification: Pathogenic for Tumor predisposition syndrome 3. Last evaluated: 2025-09-01. Review status: criteria provided, single submitter. Criteria: Invitae Variant Classification Sherloc (09022015). Collection method: clinical testing. Allele origin: germline.
Comment: This sequence change creates a premature translational stop signal (p.Tyr369*) in the POT1 gene. It is expected to result in an absent or disrupted protein product. Loss-of-function variants in POT1 are known to be pathogenic (PMID: 32155570). This variant is present in population databases (no rsID available, gnomAD 0.02%). This premature translational stop signal has been observed in individual(s) with POT1-related conditions (PMID: 34193977). ClinVar contains an entry for this variant (Variation ID: 1793995). For these reasons, this variant has been classified as Pathogenic.

Johns Hopkins Genomics, Johns Hopkins University
Classification: Pathogenic for Polycystic kidney disease 4. Last evaluated: 2025-04-04. Review status: criteria provided, single submitter. Criteria: ACMG Guidelines, 2015. Collection method: clinical testing. Allele origin: germline.
Comment: This POT1 variant has been previously reported as a germline change in multiple individuals with POT1-related cancers. It (rs1487490244) is rare (<0.1%) in a large population dataset (gnomADv4.1.0: 4/1610862 total alleles; 0.0002%; no homozygotes) and has been reported in ClinVar (Variation ID: 1793995). This frameshift variant results in a premature stop codon in exon 13 of 19 likely leading to nonsense-mediated decay and lack of protein production. We consider POT1 c.1107del to be pathogenic.

Ambry Genetics
Classification: Pathogenic for Hereditary cancer-predisposing syndrome. Last evaluated: 2025-02-11. Review status: criteria provided, single submitter. Criteria: Ambry Variant Classification Scheme 2023. Collection method: clinical testing. Allele origin: germline.
Comment: The c.1107delT pathogenic mutation, located in coding exon 9 of the POT1 gene, results from a deletion of one nucleotide at nucleotide position 1107, causing a translational frameshift with a predicted alternate stop codon (p.Y369*). This alteration is expected to result in loss of function by premature protein truncation or nonsense-mediated mRNA decay. As such, this alteration is interpreted as a disease-causing mutation.

Genetic Services Laboratory, University of Chicago
Classification: Pathogenic. Last evaluated: 2024-06-01. Review status: criteria provided, single submitter. Criteria: ACMG Guidelines, 2015. Collection method: clinical testing. Allele origin: germline. Affected: yes.
Comment: DNA sequence analysis of the POT1 gene demonstrated a single base pair deletion in exon 13, c.1107del, and results in a premature stop codon, p.Tyr369*. This pathogenic sequence change is predicted to result in an abnormal transcript, which may be degraded, or may lead to the production of a truncated POT1 protein with potentially abnormal function. This sequence change has been described in the gnomAD database with a frequency of 0.004% in the African subpopulation (dbSNP rs1487490244). This sequence change has been reported as a germline variant in one individual with chronic lymphoproliferative disorder of NK Cells (PMID: 34193977).Collectively this evidence indicates that this variant is pathogenic.

Literature cited by the submitters: PubMed 32155570 (cited by Labcorp Genetics (formerly Invitae), Labcorp and Johns Hopkins Genomics, Johns Hopkins University); PubMed 34193977 (cited by Labcorp Genetics (formerly Invitae), Labcorp and Johns Hopkins Genomics, Johns Hopkins University); PubMed 37466057 (cited by Johns Hopkins Genomics, Johns Hopkins University); PubMed 38254993 (cited by Johns Hopkins Genomics, Johns Hopkins University).